The following is an entry in ClinVar:

ClinVar aggregate classification (germline): Pathogenic (1 of 4 stars; one submission).

Conditions:
Rhabdoid tumor predisposition syndrome 2 (RTPS2). Identifiers: Orphanet 231108, Orphanet 69077, MedGen C2750074, MONDO:0013224, OMIM 613325.

Submission:

Labcorp Genetics (formerly Invitae), Labcorp
Classification: Pathogenic for Rhabdoid tumor predisposition syndrome 2. Last evaluated: 2021-10-28. Review status: criteria provided, single submitter. Criteria: Invitae Variant Classification Sherloc (09022015). Collection method: clinical testing. Allele origin: germline.
Comment: For these reasons, this variant has been classified as Pathogenic. This variant has not been reported in the literature in individuals affected with SMARCA4-related conditions. This variant is a gross deletion of the genomic region encompassing exon(s) 15-22 of the SMARCA4 gene. This deletion is out-of-frame, and is expected to create a premature termination codon and result in an absent or disrupted protein product. Loss-of-function variants in SMARCA4 are known to be pathogenic (PMID: 24658001, 24658002).

Literature cited by the submitters: PubMed 24658001; PubMed 24658002.

NC_000019.9:g.(?_11121047)_(11136194_?)del

Gene: SMARCA4 (SWI/SNF related BAF chromatin remodeling complex subunit ATPase 4; plus strand). Cytogenetic location: 19p13.2.
Variant type: Deletion.
Identifiers: ClinVar variation 2423774 (VCV002423774.4).